The following is an entry in ClinVar:

NM_000257.4(MYH7):c.2691C>A (p.Asn897Lys)

Gene: MYH7 (myosin heavy chain 7; minus strand). Cytogenetic location: 14q11.2.
Variant type: single nucleotide variant.
Coding change: c.2691C>A on transcript NM_000257.4 (MANE Select); coding-DNA position 2691, C replaced by A.
Protein change: p.Asn897Lys; replaces asparagine 897 with lysine.
Molecular consequence: missense variant.
Genome position (GRCh38, 1-based): chr14:23,424,138, G>T on the plus strand (C>A on the coding strand, the complement: MYH7 is on the minus strand). VCF-style: chr14-23424138-G-T. GRCh37 (hg19) VCF-style: chr14-23893347-G-T.
Other names: c.2691C>A, p.Asn897Lys (NM_001407004.1); short protein forms N897K.
Identifiers: ClinVar variation 1721088 (VCV001721088.5), dbSNP rs2502280510, ClinGen allele CA389047367.
Genomic context (GRCh38, chr14:23,424,138, plus strand): 5'-GGCCTCCAGCTGAATCTTGTTTTTGATCAGCTGATCACAGCGCTCCTCAGCATCTGCCAG[G>T]TTGTCTTGTTCCTGAAGGTGAGGAACAGAGGGGAGGCTGTTCAGGGGGTAAGGTCCTCAT-3'
Protein context (NP_000248.2, residues 887-907): LQLQVQAEQD[Asn897Lys]LADAEERCDQ

ClinVar aggregate classification (germline): Uncertain significance (1 of 4 stars; one submission).

Conditions:
Hypertrophic cardiomyopathy. Also called: HYPERTROPHIC MYOCARDIOPATHY. Identifiers: Orphanet 217569, MedGen C0007194, MeSH D002312, MONDO:0005045, HP:0001639.

Submission:

Labcorp Genetics (formerly Invitae), Labcorp
Classification: Uncertain significance for Hypertrophic cardiomyopathy. Last evaluated: 2022-10-07. Review status: criteria provided, single submitter. Criteria: Invitae Variant Classification Sherloc (09022015). Collection method: clinical testing. Allele origin: germline.
Comment: This variant is not present in population databases (gnomAD no frequency). This sequence change replaces asparagine, which is neutral and polar, with lysine, which is basic and polar, at codon 897 of the MYH7 protein (p.Asn897Lys). This variant has not been reported in the literature in individuals affected with MYH7-related conditions. Advanced modeling of protein sequence and biophysical properties (such as structural, functional, and spatial information, amino acid conservation, physicochemical variation, residue mobility, and thermodynamic stability) performed at Invitae indicates that this missense variant is expected to disrupt MYH7 protein function. In summary, the available evidence is currently insufficient to determine the role of this variant in disease. Therefore, it has been classified as a Variant of Uncertain Significance.